The following is an entry in ClinVar:

NM_001114753.3(ENG):c.1470dup (p.Asp491fs)

Genes: ENG (endoglin; minus strand), LOC102723566 (uncharacterized LOC102723566; plus strand). Cytogenetic location: 9q34.11.
Variant type: Duplication.
Coding change: c.1470dup on transcript NM_001114753.3 (MANE Select); coding-DNA position 1470, one base duplicated (A; older notation c.1470dupA).
Protein change: p.Asp491fs; shifts the reading frame from aspartic acid 491.
Molecular consequence: frameshift variant. On other transcripts: non-coding transcript variant (1).
Genome position (GRCh38, 1-based): chr9:127,818,336, T duplicated on the plus strand (A on the coding strand, the reverse complement: ENG is on the minus strand). VCF-style (leftmost placement, unchanged base first): chr9-127818335-C-CT. GRCh37 (hg19) VCF-style: chr9-130580614-C-CT.
Other names: c.1470dup (NM_000118.2); c.1470dupA (NM_001114753.2); c.1470dup, p.Asp491Argfs (NM_000118.4); c.924dup, p.Asp309fs (NM_001278138.2); short protein forms D491fs, D309fs.
Identifiers: ClinVar variation 862475 (VCV000862475.24), dbSNP rs1830385077, ClinGen allele CA916081552.

ClinVar aggregate classification (germline): Pathogenic. Review status: criteria provided, multiple submitters, no conflicts (2 of 4 stars). 5 submissions from 5 submitters: Pathogenic (5). Last evaluated 2026-01-12.

Conditions:
Cardiovascular phenotype. Identifiers: MedGen CN230736.
Telangiectasia, hereditary hemorrhagic, type 1 (HHT1). Also called: Osler Weber Rendu syndrome type 1; ENG-Related Hereditary Hemorrhagic Telangiectasia. Identifiers: Orphanet 774, MedGen C4551861, MONDO:0008535, OMIM 187300. Disease mechanism: loss of function.
Hereditary hemorrhagic telangiectasia (HHT). Also called: ORW DISEASE; Osler Weber Rendu syndrome; OSLER-RENDU-WEBER DISEASE; Osler hemorrhagic telangiectasia syndrome. Identifiers: Orphanet 774, MedGen C0039445, MONDO:0019180. Disease mechanism: loss of function.

Submissions (5):

Ambry Genetics
Classification: Pathogenic for Cardiovascular phenotype. Last evaluated: 2026-01-12. Review status: criteria provided, single submitter. Criteria: Ambry Variant Classification Scheme 2023. Collection method: clinical testing. Allele origin: germline.
Comment: The c.1470dupA pathogenic mutation, located in coding exon 12 of the ENG gene, results from a duplication of A at nucleotide at position 1470, causing a translational frameshift with a predicted alternate stop codon (p.D491Rfs*10). This variant was reported in individual(s) with features consistent with hereditary hemorrhagic telangiectasia (HHT) (Cymerman U et al, Pediatr. Res. 2000 Jan; 47(1):24-35; Dakeishi M et al, Hum. Mutat. 2002 Feb; 19(2):140-8). This variant is considered to be rare based on population cohorts in the Genome Aggregation Database (gnomAD). This alteration is expected to result in loss of function by premature protein truncation or nonsense-mediated mRNA decay. As such, this alteration is interpreted as a disease-causing mutation.

Labcorp Genetics (formerly Invitae), Labcorp
Classification: Pathogenic for Hereditary hemorrhagic telangiectasia. Last evaluated: 2025-11-21. Review status: criteria provided, single submitter. Criteria: Invitae Variant Classification Sherloc (09022015). Collection method: clinical testing. Allele origin: germline.
Comment: This sequence change creates a premature translational stop signal (p.Asp491Argfs*10) in the ENG gene. It is expected to result in an absent or disrupted protein product. Loss-of-function variants in ENG are known to be pathogenic (PMID: 15879500). This variant is not present in population databases (gnomAD no frequency). This premature translational stop signal has been observed in individual(s) with hereditary hemorrhagic telangiectasia (PMID: 10625079, 15712271). This variant is also known as +A FS at 1471. ClinVar contains an entry for this variant (Variation ID: 862475). For these reasons, this variant has been classified as Pathogenic.

GeneDx
Classification: Pathogenic. Last evaluated: 2025-11-11. Review status: criteria provided, single submitter. Criteria: GeneDx Variant Classification Process June 2021. Collection method: clinical testing. Allele origin: germline. Affected: yes.
Comment: Frameshift variant predicted to result in protein truncation or nonsense mediated decay in a gene for which loss of function is a known mechanism of disease; Not observed at significant frequency in large population cohorts (gnomAD); This variant is associated with the following publications: (PMID: 10625079, 11440987, 17384219, 16752392, 37486637, 15024723, 12673790, 15712271)

Victorian Clinical Genetics Services, Murdoch Childrens Research Institute
Classification: Pathogenic for Telangiectasia, hereditary hemorrhagic, type 1. Last evaluated: 2022-02-02. Review status: criteria provided, single submitter. Criteria: ACMG Guidelines, 2015. Collection method: clinical testing. Allele origin: germline. Inheritance: Autosomal dominant inheritance.
Comment: Based on the classification scheme VCGS_Germline_v1.3.4, this variant is classified as Pathogenic. Following criteria are met: 0103 - Dominant negative and loss of function are known mechanisms of disease in this gene and are associated with hereditary haemorrhagic telangiectasia type 1 (HHT; MIM#187300). Loss-of-function variants have been reported, while missense variants have been demonstrated to have both loss of function and dominant negative effects on protein activity (PMID: 25312062). (I). 0107 - This gene is associated with autosomal dominant disease. (I) 0201 - Variant is predicted to cause nonsense-mediated decay (NMD) and loss of protein (premature termination codon is located at least 54 nucleotides upstream of the final exon-exon junction). (SP) 0251 - This variant is heterozygous. (I) 0301 - Variant is absent from gnomAD (both v2 and v3). (SP) 0701 - Other NMD-predicted variants comparable to the one identified in this case have very strong previous evidence for pathogenicity (ClinVar). (SP) 0801 - This variant has strong previous evidence of pathogenicity in unrelated individuals. It has been reported in at least five individuals with hereditary haemorrhagic telangiectasia (PMID: 12673790, ClinVar). (I) Legend: (SP) - Supporting pathogenic, (I) - Information, (SB) - Supporting benign

ARUP Laboratories, Molecular Genetics and Genomics, ARUP Laboratories
Classification: Pathogenic for Telangiectasia, hereditary hemorrhagic, type 1. Last evaluated: 2020-11-10. Review status: criteria provided, single submitter. Criteria: ARUP Molecular Germline Variant Investigation Process 2021. Collection method: clinical testing. Allele origin: germline.
Comment: The ENG c.1470dupA; p.Asp491ArgfsTer10variant, also known as c.1470_1471insA, is reported in the literature in individuals and families affected with hereditary hemorrhagic telangiectasia (Abdalla 2005, Cymerman 2000, Gedge 2007). This variant is also reported in ClinVar (Variation ID: 862475), and is absent from general population databases (Exome Variant Server, Genome Aggregation Database), indicating it is not a common polymorphism. This variant causes a frameshift by inserting a single nucleotide, so it is predicted to result in a truncated protein or mRNA subject to nonsense-mediated decay. Based on available information, this variant is considered to be pathogenic. References: Abdalla SA et al. Novel mutations and polymorphisms in genes causing hereditary hemorrhagic telangiectasia. Hum Mutat. 2005 Mar;25(3):320-1. Cymerman U et al. Identification of hereditary hemorrhagic telangiectasia type 1 in newborns by protein expression and mutation analysis of endoglin. Pediatr Res. 2000 Jan;47(1):24-35. Gedge F et al. Clinical and analytical sensitivities in hereditary hemorrhagic telangiectasia testing and a report of de novo mutations. J Mol Diagn. 2007 Apr;9(2):258-65.

Literature cited by the submitters: PubMed 10625079 (cited by Ambry Genetics and Labcorp Genetics (formerly Invitae), Labcorp); PubMed 11440987 (cited by Ambry Genetics); PubMed 11793473 (cited by Ambry Genetics); PubMed 14526373 (cited by Ambry Genetics); PubMed 15266205 (cited by Ambry Genetics); PubMed 15712271 (cited by Ambry Genetics and Labcorp Genetics (formerly Invitae), Labcorp); PubMed 17384219 (cited by Ambry Genetics); PubMed 15879500 (cited by Labcorp Genetics (formerly Invitae), Labcorp); PubMed 12673790 (cited by Victorian Clinical Genetics Services, Murdoch Childrens Research Institute); PubMed 25312062 (cited by Victorian Clinical Genetics Services, Murdoch Childrens Research Institute).